The following is an entry in ClinVar:

NM_000553.6(WRN):c.2631G>T (p.Arg877Ser)

Gene: WRN (WRN RecQ like helicase; plus strand). Cytogenetic location: 8p12.
Variant type: single nucleotide variant.
Coding change: c.2631G>T on transcript NM_000553.6 (MANE Select); coding-DNA position 2631, G replaced by T.
Protein change: p.Arg877Ser; replaces arginine 877 with serine.
Molecular consequence: missense variant.
Genome position (GRCh38, 1-based): chr8:31,124,522, G>T. VCF-style: chr8-31124522-G-T. GRCh37 (hg19) VCF-style: chr8-30982038-G-T.
Other names: short protein forms R877S.
Identifiers: ClinVar variation 528160 (VCV000528160.4), dbSNP rs913325260, ClinGen allele CA370916635.
Genomic context (GRCh38, chr8:31,124,522, plus strand): 5'-AAAAAGTAAGAAAGTTGCCAATACAGTTTTACATATTCCTGTGATGTTTTTAATCGACAG[G>T]CACCTTCTTACTGAGATACGTAATGAGAAGTTTCGATTATACAAATTAAAGATGATGGCA-3'
Protein context (NP_000544.2, residues 867-887): LWAPADINLN[Arg877Ser]HLLTEIRNEK

ClinVar aggregate classification (germline): Uncertain significance (1 of 4 stars; one submission).

Conditions:
Werner syndrome (WRN). Identifiers: Orphanet 902, MedGen C0043119, MONDO:0010196, OMIM 277700.

Submission:

Labcorp Genetics (formerly Invitae), Labcorp
Classification: Uncertain significance for Werner syndrome. Last evaluated: 2017-09-05. Review status: criteria provided, single submitter. Criteria: Invitae Variant Classification Sherloc (09022015). Collection method: clinical testing. Allele origin: germline.
Comment: This sequence change replaces arginine with serine at codon 877 of the WRN protein (p.Arg877Ser). The arginine residue is highly conserved and there is a moderate physicochemical difference between arginine and serine. In summary, the available evidence is currently insufficient to determine the role of this variant in disease. Therefore, it has been classified as a Variant of Uncertain Significance. Algorithms developed to predict the effect of sequence changes on RNA splicing suggest that this variant may disrupt the consensus splice site, but this prediction has not been confirmed by published transcriptional studies. Algorithms developed to predict the effect of missense changes on protein structure and function do not agree on the potential impact of this missense change (SIFT: "Deleterious"; PolyPhen-2: "Benign"; Align-GVGD: "Class C35"). This variant has not been reported in the literature in individuals with WRN-related disease. This variant is not present in population databases (ExAC no frequency).